The following is an entry in ClinVar:

NM_025114.4(CEP290):c.2848C>T (p.Gln950Ter)

Gene: CEP290 (centrosomal protein 290; minus strand). Cytogenetic location: 12q21.32.
Variant type: single nucleotide variant.
Coding change: c.2848C>T on transcript NM_025114.4 (MANE Select); coding-DNA position 2848, C replaced by T.
Protein change: p.Gln950Ter; replaces glutamine 950 with a stop codon.
Molecular consequence: nonsense.
Genome position (GRCh38, 1-based): chr12:88,102,981, G>A on the plus strand (C>T on the coding strand, the complement: CEP290 is on the minus strand). VCF-style: chr12-88102981-G-A. GRCh37 (hg19) VCF-style: chr12-88496758-G-A.
Other names: short protein forms Q950*.
Identifiers: ClinVar variation 4064285 (VCV004064285.2).
Genomic context (GRCh38, chr12:88,102,981, plus strand): 5'-TGTACTGTTTATTAGCCAGTTCTAGTTCAGACAAAGAAACACTATTATCTACAACTTTTT[G>A]GAGAGCTGCAATCTTGAAAATGGCCATTTCCTATGTAAATAAAGATACACTGAGTTATGC-3'

ClinVar aggregate classification (germline): Likely pathogenic (1 of 4 stars; one submission).

Conditions:
Leber congenital amaurosis (LCA). Also called: Leber's amaurosis. Identifiers: Orphanet 65, MedGen C0339527, MeSH D057130, MONDO:0018998.

Submission:

Natera, Inc.
Classification: Likely pathogenic for Leber congenital amaurosis. Last evaluated: 2025-03-27. Review status: criteria provided, single submitter. Criteria: Natera Variant Classification Schema (03/2026). Collection method: clinical testing. Allele origin: germline.
Comment: The c.2848C>T variant in CEP290 is a nonsense variant predicted to introduce a stop codon at amino acid 950. This variant is expected to result in nonsense mediated decay, truncation, or a dysfunctional protein product. This variant is rare in the general population with a frequency below the threshold expected for the associated phenotype(s). Given the available evidence, this variant is classified as Likely Pathogenic.